The following is an entry in ClinVar:

ClinVar aggregate classification (germline): Pathogenic/Likely pathogenic. Review status: criteria provided, multiple submitters, no conflicts (2 of 4 stars). 7 submissions from 7 submitters: Pathogenic (5); Likely pathogenic (1). 1 of the submissions does not count toward it. Last evaluated 2026-06-15.

Conditions:
Hyperornithinemia-hyperammonemia-homocitrullinuria syndrome (HHHS). Also called: HHH SYNDROME; Ornithine translocase deficiency. Identifiers: Orphanet 415, MedGen C0268540, MONDO:0009393, OMIM 238970.

Allele frequency attached by ClinVar (database versions not stated): ExAC 0.00001; gnomAD exomes 0.00001 and 0.00002; TOPMed 0.00001.
gnomAD v4.1: 21 of 1,614,142 alleles (0.0013%); highest among the groups gnomAD compares: Admixed American, 0.0033%; no homozygotes.

Submissions (7):

Rare Disease Center, Seoul National University Hospital
Classification: Pathogenic for Hyperornithinemia-hyperammonemia-homocitrullinuria syndrome. Last evaluated: 2026-06-15. Review status: criteria provided, single submitter. Criteria: ACMG Guidelines, 2015. Collection method: research. Allele origin: maternal. Inheritance: Autosomal recessive inheritance. Affected: yes.
Comment: ClinVar classifies this variant as Pathogenic (PP5). Additionally, it is located within a 17-amino-acid hot-spot containing 11 missense/in-frame variants (4 pathogenic, 7 uncertain, and no benign variants), meeting the criteria for moderate pathogenicity (PM1). An alternative variant, chr13:40799081 G>A (Gly27Glu), is classified as Likely Pathogenic (1 star) in ClinVar (PM5), and the variant is further supported by an AlphaMissense score of 0.994 (exceeding the 0.992 threshold for strong pathogenic evidence, PP3) as well as a Pathogenic classification by UniProt Variants (PS3). Furthermore, for this autosomal recessive (AR) gene, the variant is absent from gnomAD genomes with adequate coverage (31.5), and the gnomAD exomes homozygous allele count is 0 (fewer than 2) with adequate coverage (50.8), satisfying PM2.

This variant is found as compound heterozygote with the variant submitted on row 9.

Natera, Inc.
Classification: Pathogenic for Hyperornithinemia-hyperammonemia-homocitrullinuria syndrome. Last evaluated: 2025-09-17. Review status: criteria provided, single submitter. Criteria: Natera Variant Classification Schema (03/2026). Collection method: clinical testing. Allele origin: germline.
Comment: The c.79G>A variant in SLC25A15 is a missense variant predicted to cause substitution of glycine to arginine at amino acid 27. This variant is rare in the general population with a frequency below the threshold expected for the associated phenotype(s). This variant has been observed in one or more individuals affected with the associated recessive disease, as either homozygous or compound heterozygous with a second variant (PMID: 11552031, 19242930). Computational prediction algorithms indicate this variant is likely to affect gene or protein function. Given the available evidence, this variant is classified as Pathogenic.

Fulgent Genetics
Classification: Likely pathogenic for Hyperornithinemia-hyperammonemia-homocitrullinuria syndrome. Last evaluated: 2024-03-02. Review status: criteria provided, single submitter. Criteria: ACMG Guidelines, 2015. Collection method: clinical testing. Allele origin: germline.

Labcorp Genetics (formerly Invitae), Labcorp
Classification: Pathogenic for Hyperornithinemia-hyperammonemia-homocitrullinuria syndrome. Last evaluated: 2023-12-24. Review status: criteria provided, single submitter. Criteria: Invitae Variant Classification Sherloc (09022015). Collection method: clinical testing. Allele origin: germline.
Comment: This sequence change replaces glycine, which is neutral and non-polar, with arginine, which is basic and polar, at codon 27 of the SLC25A15 protein (p.Gly27Arg). This variant is present in population databases (rs104894430, gnomAD 0.004%). This missense change has been observed in individuals with hyperornithinemia-hyperammonemia-homocitrullinuria (HHH) syndrome (PMID: 11552031, 16376511, 25874378). ClinVar contains an entry for this variant (Variation ID: 5995). Advanced modeling of protein sequence and biophysical properties (such as structural, functional, and spatial information, amino acid conservation, physicochemical variation, residue mobility, and thermodynamic stability) performed at Invitae indicates that this missense variant is expected to disrupt SLC25A15 protein function with a positive predictive value of 95%. Experimental studies have shown that this missense change affects SLC25A15 function (PMID: 12807890, 25818551). For these reasons, this variant has been classified as Pathogenic.

Department of Pathology and Laboratory Medicine, Sinai Health System
Classification: Pathogenic for Hyperornithinemia-hyperammonemia-homocitrullinuria syndrome. Last evaluated: 2023-07-20. Review status: criteria provided, single submitter. Criteria: ACMG Guidelines, 2015. Collection method: research. Allele origin: germline.

Women's Health and Genetics/Laboratory Corporation of America, LabCorp
Classification: Pathogenic for Hyperornithinemia-hyperammonemia-homocitrullinuria syndrome. Last evaluated: 2021-08-24. Review status: criteria provided, single submitter. Criteria: LabCorp Variant Classification Summary - May 2015. Collection method: clinical testing. Allele origin: germline.
Comment: Variant summary: SLC25A15 c.79G>A (p.Gly27Arg) results in a non-conservative amino acid change located in the Mitochondrial carrier superfamily domain (IPR023395) of the encoded protein sequence. Five of five in-silico tools predict a damaging effect of the variant on protein function. The variant allele was found at a frequency of 2e-05 in 251488 control chromosomes. c.79G>A has been reported in the literature in multiple individuals affected with Hyperornithinemia-Hyperammonemia-Homocitrullinuria Syndrome (example, Salvi_2001, Martinelli_2015, Oliveri_2019). These data indicate that the variant is very likely to be associated with disease. At least two publications report experimental evidence evaluating an impact on protein function (example, Fiermonte_2003, Marobbio_2015). The most pronounced variant effect results in complete inability to transport ornithine and citrulline. One clinical diagnostic laboratory has submitted clinical-significance assessments for this variant to ClinVar after 2014 and classified the variant as pathogenic. Based on the evidence outlined above, the variant was classified as pathogenic.

OMIM
Classification: Pathogenic for HHH SYNDROME. Last evaluated: 2001-09-11. Review status: no assertion criteria provided. Collection method: literature only. Allele origin: germline. Not counted in ClinVar's aggregate classification.

Literature cited by the submitters: PubMed 11552031 (cited by 4 submitters); PubMed 19242930 (cited by Natera, Inc.); PubMed 16376511 (cited by Labcorp Genetics (formerly Invitae), Labcorp and Women's Health and Genetics/Laboratory Corporation of America, LabCorp); PubMed 25874378 (cited by Labcorp Genetics (formerly Invitae), Labcorp and Women's Health and Genetics/Laboratory Corporation of America, LabCorp); PubMed 12807890 (cited by Labcorp Genetics (formerly Invitae), Labcorp and Women's Health and Genetics/Laboratory Corporation of America, LabCorp); PubMed 25818551 (cited by Labcorp Genetics (formerly Invitae), Labcorp and Women's Health and Genetics/Laboratory Corporation of America, LabCorp); PubMed 22292090 (cited by Women's Health and Genetics/Laboratory Corporation of America, LabCorp); PubMed 31443672 (cited by Women's Health and Genetics/Laboratory Corporation of America, LabCorp).

NM_014252.4(SLC25A15):c.79G>A (p.Gly27Arg)

Gene: SLC25A15 (solute carrier family 25 member 15; plus strand). Cytogenetic location: 13q14.11.
Variant type: single nucleotide variant.
Coding change: c.79G>A on transcript NM_014252.4 (MANE Select); coding-DNA position 79, G replaced by A.
Protein change: p.Gly27Arg; replaces glycine 27 with arginine.
Molecular consequence: missense variant. On other transcripts: non-coding transcript variant (2).
Genome position (GRCh38, 1-based): chr13:40,799,080, G>A. VCF-style: chr13-40799080-G-A. GRCh37 (hg19) VCF-style: chr13-41373216-G-A.
Other names: short protein forms G27R.
Identifiers: ClinVar variation 5995 (VCV000005995.20), dbSNP rs104894430, ClinGen allele CA340490.